The following is an entry in ClinVar:

NM_002439.5(MSH3):c.1341-3_1341-2del

Gene: MSH3 (mutS homolog 3; plus strand). Cytogenetic location: 5q14.1.
Variant type: Deletion.
Coding change: c.1341-3_1341-2del on transcript NM_002439.5 (MANE Select); 3 bases into the intron before coding-DNA position 1341 through the canonical splice acceptor site of the intron before coding-DNA position 1341, 2 bases deleted (CA; older notation c.1341-3_1341-2delCA).
Molecular consequence: splice acceptor variant.
Genome position (GRCh38, 1-based): chr5:80,725,450-80,725,451, CA deleted. VCF-style (leftmost placement, unchanged base first): chr5-80725449-TCA-T. GRCh37 (hg19) VCF-style: chr5-80021268-TCA-T.
Identifiers: ClinVar variation 4533042 (VCV004533042.2).

ClinVar aggregate classification (germline): Likely pathogenic. Review status: criteria provided, multiple submitters, no conflicts (2 of 4 stars). 2 submissions from 2 submitters: Likely pathogenic (2). Last evaluated 2025-07-31.

Submissions (2):

Quest Diagnostics Nichols Institute San Juan Capistrano
Classification: Likely pathogenic. Last evaluated: 2025-07-31. Review status: criteria provided, single submitter. Criteria: Quest Diagnostics criteria. Collection method: clinical testing. Allele origin: unknown.
Comment: The MSH3 c.1341-3_1341-2del variant disrupts a canonical splice-acceptor site and is predicted to interfere with normal MSH3 mRNA splicing. This variant has not been reported in individuals with MSH3-related conditions in the published literature. This variant has not been reported in large, multi-ethnic general populations (Genome Aggregation Database). Based on the available information, this variant is classified as likely pathogenic.

Labcorp Genetics (formerly Invitae), Labcorp
Classification: Likely pathogenic. Last evaluated: 2025-03-02. Review status: criteria provided, single submitter. Criteria: Invitae Variant Classification Sherloc (09022015). Collection method: clinical testing. Allele origin: germline.
Comment: This sequence change affects a splice site in intron 8 of the MSH3 gene. It is expected to disrupt RNA splicing. Variants that disrupt the donor or acceptor splice site typically lead to a loss of protein function (PMID: 16199547), and loss-of-function variants in MSH3 are known to be pathogenic (PMID: 27476653, 37402566). This variant is not present in population databases (gnomAD no frequency). This variant has not been reported in the literature in individuals affected with MSH3-related conditions. Algorithms developed to predict the effect of sequence changes on RNA splicing suggest that this variant may disrupt the consensus splice site. In summary, the currently available evidence indicates that the variant is pathogenic, but additional data are needed to prove that conclusively. Therefore, this variant has been classified as Likely Pathogenic.

Literature cited by the submitters: PubMed 16199547 (cited by Labcorp Genetics (formerly Invitae), Labcorp); PubMed 27476653 (cited by Labcorp Genetics (formerly Invitae), Labcorp); PubMed 37402566 (cited by Labcorp Genetics (formerly Invitae), Labcorp).